The following is an entry in ClinVar:

NM_020461.4(TUBGCP6):c.5092G>A (p.Ala1698Thr)

Gene: TUBGCP6 (tubulin gamma complex component 6; minus strand). Cytogenetic location: 22q13.33.
Variant type: single nucleotide variant.
Coding change: c.5092G>A on transcript NM_020461.4 (MANE Select); coding-DNA position 5092, G replaced by A.
Protein change: p.Ala1698Thr; replaces alanine 1698 with threonine.
Molecular consequence: missense variant.
Genome position (GRCh38, 1-based): chr22:50,218,265, C>T on the plus strand (G>A on the coding strand, the complement: TUBGCP6 is on the minus strand). VCF-style: chr22-50218265-C-T. GRCh37 (hg19) VCF-style: chr22-50656694-C-T.
Other names: short protein forms A1698T.
Identifiers: ClinVar variation 2073163 (VCV002073163.4), dbSNP rs1451430077, ClinGen allele CA412164204.

ClinVar aggregate classification (germline): Uncertain significance (1 of 4 stars; one submission).

Allele frequency attached by ClinVar (database versions not stated): TOPMed 0.00001; gnomAD 0.00001.
gnomAD v4.1: 2 of 1,613,000 alleles (0.00012%); highest among the groups gnomAD compares: Admixed American, 0.0017%; no homozygotes.

Submission:

Labcorp Genetics (formerly Invitae), Labcorp
Classification: Uncertain significance. Last evaluated: 2022-05-15. Review status: criteria provided, single submitter. Criteria: Invitae Variant Classification Sherloc (09022015). Collection method: clinical testing. Allele origin: germline.
Comment: This sequence change replaces alanine, which is neutral and non-polar, with threonine, which is neutral and polar, at codon 1698 of the TUBGCP6 protein (p.Ala1698Thr). This variant is not present in population databases (gnomAD no frequency). This variant has not been reported in the literature in individuals affected with TUBGCP6-related conditions. Algorithms developed to predict the effect of missense changes on protein structure and function are either unavailable or do not agree on the potential impact of this missense change (SIFT: "Tolerated"; PolyPhen-2: "Possibly Damaging"; Align-GVGD: "Class C0"). In summary, the available evidence is currently insufficient to determine the role of this variant in disease. Therefore, it has been classified as a Variant of Uncertain Significance.